The following is an entry in ClinVar:

NM_000245.4(MET):c.2363T>G (p.Val788Gly)

Gene: MET (MET proto-oncogene, receptor tyrosine kinase; plus strand). Cytogenetic location: 7q31.2.
Variant type: single nucleotide variant.
Coding change: c.2363T>G on transcript NM_000245.4 (MANE Select); coding-DNA position 2363, T replaced by G.
Protein change: p.Val788Gly; replaces valine 788 with glycine.
Molecular consequence: missense variant.
Genome position (GRCh38, 1-based): chr7:116,759,489, T>G. VCF-style: chr7-116759489-T-G. GRCh37 (hg19) VCF-style: chr7-116399543-T-G.
Other names: c.2417T>G, p.Val806Gly (NM_001127500.3); c.2363T>G, p.Val788Gly (NM_001324401.3); c.1073T>G, p.Val358Gly (NM_001324402.2); short protein forms V788G, V358G, V806G.
Identifiers: ClinVar variation 2587469 (VCV002587469.5), dbSNP rs786204142, ClinGen allele CA368982601.

ClinVar aggregate classification (germline): Uncertain significance. Review status: criteria provided, multiple submitters, no conflicts (2 of 4 stars). 2 submissions from 2 submitters: Uncertain significance (2). Last evaluated 2024-01-28.

Conditions:
Renal cell carcinoma. Identifiers: Orphanet 217071, MedGen C0007134, MeSH D002292, MONDO:0005086, HP:0005584.
Hereditary cancer-predisposing syndrome. Also called: Tumor predisposition; Hereditary Cancer Syndrome; Hereditary neoplastic syndrome; Neoplastic Syndromes, Hereditary. Identifiers: Orphanet 140162, MedGen C0027672, MeSH D009386, MONDO:0015356.

Submissions (2):

Labcorp Genetics (formerly Invitae), Labcorp
Classification: Uncertain significance for Renal cell carcinoma. Last evaluated: 2024-01-28. Review status: criteria provided, single submitter. Criteria: Invitae Variant Classification Sherloc (09022015). Collection method: clinical testing. Allele origin: germline.
Comment: This sequence change replaces valine, which is neutral and non-polar, with glycine, which is neutral and non-polar, at codon 806 of the MET protein (p.Val806Gly). This variant is not present in population databases (gnomAD no frequency). This variant has not been reported in the literature in individuals affected with MET-related conditions. ClinVar contains an entry for this variant (Variation ID: 2587469). An algorithm developed to predict the effect of missense changes on protein structure and function (PolyPhen-2) suggests that this variant is likely to be disruptive. In summary, the available evidence is currently insufficient to determine the role of this variant in disease. Therefore, it has been classified as a Variant of Uncertain Significance.

Ambry Genetics
Classification: Uncertain significance for Hereditary cancer-predisposing syndrome. Last evaluated: 2023-06-28. Review status: criteria provided, single submitter. Criteria: Ambry Variant Classification Scheme 2023. Collection method: clinical testing. Allele origin: germline.
Comment: The p.V806G variant (also known as c.2417T>G), located in coding exon 9 of the MET gene, results from a T to G substitution at nucleotide position 2417. The valine at codon 806 is replaced by glycine, an amino acid with dissimilar properties. This amino acid position is conserved. In addition, the in silico prediction for this alteration is inconclusive. Since supporting evidence is limited at this time, the clinical significance of this alteration remains unclear.